The following is an entry in ClinVar:

ClinVar aggregate classification (germline): Conflicting classifications of pathogenicity. Review status: criteria provided, conflicting classifications (1 of 4 stars). 2 submissions from 2 submitters: Uncertain significance (1); Likely benign (1). Last evaluated 2024-02-17.

Conditions:
Pontocerebellar hypoplasia type 1A (PCH1A). Also called: PONTOCEREBELLAR HYPOPLASIA WITH ANTERIOR HORN CELL DISEASE; PONTOCEREBELLAR HYPOPLASIA WITH INFANTILE SPINAL MUSCULAR ATROPHY. Identifiers: Orphanet 2254, Orphanet 88616, MedGen C1843504, MONDO:0011866, OMIM 607596.

gnomAD v4.1: 1 of 1,613,684 alleles (0.000062%); highest among the groups gnomAD compares: Admixed American, 0.0017%; no homozygotes.

Submissions (2):

Labcorp Genetics (formerly Invitae), Labcorp
Classification: Likely benign for Pontocerebellar hypoplasia type 1A. Last evaluated: 2024-02-17. Review status: criteria provided, single submitter. Criteria: Invitae Variant Classification Sherloc (09022015). Collection method: clinical testing. Allele origin: germline.

GeneDx
Classification: Uncertain significance. Last evaluated: 2019-09-05. Review status: criteria provided, single submitter. Criteria: GeneDx Variant Classification Process June 2021. Collection method: clinical testing. Allele origin: germline. Affected: yes.
Comment: Not observed in large population cohorts (Lek et al., 2016); Has not been previously published as pathogenic or benign to our knowledge; In silico analysis, which includes splice predictors and evolutionary conservation, suggests this variant may impact gene splicing. In the absence of RNA/functional studies, the actual effect of this sequence change is unknown.

NM_003384.3(VRK1):c.705C>G (p.Gly235=)

Gene: VRK1 (VRK serine/threonine kinase 1; plus strand). Cytogenetic location: 14q32.2.
Variant type: single nucleotide variant.
Coding change: c.705C>G on transcript NM_003384.3 (MANE Select); coding-DNA position 705, C replaced by G.
Protein change: p.Gly235=; no amino-acid change (glycine 235 retained).
Molecular consequence: synonymous variant.
Genome position (GRCh38, 1-based): chr14:96,855,352, C>G. VCF-style: chr14-96855352-C-G. GRCh37 (hg19) VCF-style: chr14-97321689-C-G.
Identifiers: ClinVar variation 1312154 (VCV001312154.11), dbSNP rs2230532, ClinGen allele CA487864828.